The following is an entry in ClinVar:

NM_005006.7(NDUFS1):c.2006A>G (p.Asn669Ser)

Gene: NDUFS1 (NADH:ubiquinone oxidoreductase core subunit S1; minus strand). Cytogenetic location: 2q33.3.
Variant type: single nucleotide variant.
Coding change: c.2006A>G on transcript NM_005006.7 (MANE Select); coding-DNA position 2006, A replaced by G.
Protein change: p.Asn669Ser; replaces asparagine 669 with serine.
Molecular consequence: missense variant.
Genome position (GRCh38, 1-based): chr2:206,126,723, T>C on the plus strand (A>G on the coding strand, the complement: NDUFS1 is on the minus strand). VCF-style: chr2-206126723-T-C. GRCh37 (hg19) VCF-style: chr2-206991447-T-C.
Other names: c.1898A>G, p.Asn633Ser (NM_001199981.2); c.1673A>G, p.Asn558Ser (NM_001199982.2); c.1835A>G, p.Asn612Ser (NM_001199983.2); c.2048A>G, p.Asn683Ser (NM_001199984.2); short protein forms N669S, N612S, N683S, N558S, N633S.
Identifiers: ClinVar variation 333780 (VCV000333780.14), dbSNP rs142716964, ClinGen allele CA2070307.

ClinVar aggregate classification (germline): Conflicting classifications of pathogenicity. Review status: criteria provided, conflicting classifications (1 of 4 stars). 9 submissions from 8 submitters: Uncertain significance (8); Likely benign (1). Last evaluated 2026-01-28.

Conditions:
Leigh syndrome (NULS). Also called: Leigh's syndrome; Subacute necrotizing encephalopathy; Necrotizing encephalopathy infantile subacute of Leigh; LEIGH SYNDROME, NUCLEAR; Leigh's necrotizing encephalopathy; Leigh's disease. Identifiers: Orphanet 506, MedGen C2931891, MONDO:0009723, OMIM 256000.
Mitochondrial complex I deficiency, nuclear type 5. Also called: Mitochondrial complex 1 deficiency, nuclear type 5. Identifiers: MedGen C4748754, MONDO:0032610, OMIM 618226.
Mitochondrial complex I deficiency, nuclear type 1. Also called: NADH-COENZYME Q REDUCTASE DEFICIENCY; MITOCHONDRIAL NADH DEHYDROGENASE COMPONENT OF COMPLEX I, DEFICIENCY OF. Identifiers: MedGen C6022305, MONDO:0100224, OMIM 252010.
Inborn genetic diseases. Identifiers: MedGen C0950123, MeSH D030342.

Allele frequency attached by ClinVar (database versions not stated): 1000 Genomes Project 30x 0.00016; gnomAD 0.00016; gnomAD exomes 0.00019; TOPMed 0.00019; 1000 Genomes Project 0.00020; ExAC 0.00021; ESP Exome Variant Server 0.00023.
gnomAD v4.1: 314 of 1,614,148 alleles (0.019%); highest among the groups gnomAD compares: Middle Eastern, 0.082%; 1 homozygote.

Submissions (10):

GeneDx
Classification: Uncertain significance. Last evaluated: 2026-01-28. Review status: criteria provided, single submitter. Criteria: GeneDx Variant Classification Process June 2021. Collection method: clinical testing. Allele origin: germline. Affected: yes.
Comment: In silico analysis suggests that this missense variant does not alter protein structure/function; Has not been previously published as pathogenic or benign to our knowledge

Ambry Genetics
Classification: Uncertain significance for Inborn genetic diseases. Last evaluated: 2025-01-29. Review status: criteria provided, single submitter. Criteria: Ambry Variant Classification Scheme 2023. Collection method: clinical testing. Allele origin: germline.

Blueprint Genetics
Classification: Likely benign. Last evaluated: 2024-11-20. Review status: criteria provided, single submitter. Criteria: ACMG Guidelines, 2015. Collection method: clinical testing. Allele origin: germline.

Labcorp Genetics (formerly Invitae), Labcorp
Classification: Uncertain significance. Last evaluated: 2023-06-18. Review status: criteria provided, single submitter. Criteria: Invitae Variant Classification Sherloc (09022015). Collection method: clinical testing. Allele origin: germline.
Comment: Algorithms developed to predict the effect of missense changes on protein structure and function output the following: SIFT: "Not Available"; PolyPhen-2: "Benign"; Align-GVGD: "Not Available". The serine amino acid residue is found in multiple mammalian species, which suggests that this missense change does not adversely affect protein function. In summary, the available evidence is currently insufficient to determine the role of this variant in disease. Therefore, it has been classified as a Variant of Uncertain Significance. ClinVar contains an entry for this variant (Variation ID: 333780). This variant has not been reported in the literature in individuals affected with NDUFS1-related conditions. This variant is present in population databases (rs142716964, gnomAD 0.04%). This sequence change replaces asparagine, which is neutral and polar, with serine, which is neutral and polar, at codon 669 of the NDUFS1 protein (p.Asn669Ser).

Baylor Genetics
Classification: Uncertain significance for Mitochondrial complex I deficiency, nuclear type 5. Last evaluated: 2022-04-28. Review status: criteria provided, single submitter. Criteria: ACMG Guidelines, 2015. Collection method: clinical testing. Allele origin: unknown.

Institute of Human Genetics, University of Leipzig Medical Center
Classification: Uncertain significance for Mitochondrial complex I deficiency, nuclear type 5. Last evaluated: 2022-02-22. Review status: criteria provided, single submitter. Criteria: ACMG Guidelines, 2015. Collection method: clinical testing. Allele origin: paternal. Affected: yes.
Comment: _x000D_ Criteria applied: PM3, PM2_SUP, BP4

Department of Pathology and Laboratory Medicine, Sinai Health System
Classification: Uncertain significance for Mitochondrial complex I deficiency, nuclear type 5. Last evaluated: 2021-09-29. Review status: criteria provided, single submitter. Criteria: ACMG Guidelines, 2015. Collection method: research. Allele origin: germline.

Illumina Laboratory Services, Illumina
Classification: Uncertain significance for Leigh syndrome. Last evaluated: 2018-01-13. Review status: criteria provided, single submitter. Criteria: ICSL Variant Classification Criteria 13 December 2019. Collection method: clinical testing. Allele origin: germline.

Illumina Laboratory Services, Illumina
Classification: Uncertain significance for Mitochondrial complex I deficiency, nuclear type 1. Last evaluated: 2018-01-13. Review status: criteria provided, single submitter. Criteria: ICSL Variant Classification Criteria 13 December 2019. Collection method: clinical testing. Allele origin: germline.

Dr. Peter K. Rogan Lab, Western University
No classification provided (evidence only). Condition: Colon adenocarcinoma. Review status: no classification provided. Collection method: in vitro. Allele origin: not applicable. Functional consequence: retained intron. Not counted in ClinVar's aggregate classification.